The following is an entry in ClinVar:

ClinVar aggregate classification (germline): Pathogenic (1 of 4 stars; one submission).

Submission:

GeneDx
Classification: Pathogenic. Last evaluated: 2015-03-12. Review status: criteria provided, single submitter. Criteria: GeneDx Variant Classification (06012015). Collection method: clinical testing. Allele origin: germline. Affected: yes.
Comment: The c.1777delT variant is predicted to cause loss of normal protein function eitherthrough protein truncation or nonsense-mediated mRNA decay. Although this deletion has not been previously reported to our knowledge, we interpret this variant as pathogenic.

NM_001323289.2(CDKL5):c.1777del (p.Ser593fs)

Gene: CDKL5 (cyclin dependent kinase like 5; plus strand). Cytogenetic location: Xp22.13.
Variant type: Deletion.
Coding change: c.1777del on transcript NM_001323289.2 (MANE Select); coding-DNA position 1777, one base deleted (T; older notation c.1777delT).
Protein change: p.Ser593fs; shifts the reading frame from serine 593.
Molecular consequence: frameshift variant.
Genome position (GRCh38, 1-based): chrX:18,604,701, T deleted; the last of 5 consecutive T bases (chrX:18,604,697-18,604,701); deleting any one gives the same sequence. VCF-style (leftmost placement, unchanged base first): chrX-18604696-CT-C. GRCh37 (hg19) VCF-style: chrX-18622816-CT-C.
Other names: c.1777del, p.Ser593fs (NM_001037343.2, NM_003159.3); c.1777delT (NM_003159.2); short protein forms S593fs.
Identifiers: ClinVar variation 418699 (VCV000418699.2), dbSNP rs1064793376, ClinGen allele CA16621279.